The following is an entry in ClinVar:

NM_001042492.3(NF1):c.5322G>T (p.Gly1774=)

Gene: NF1 (neurofibromin 1; plus strand). Cytogenetic location: 17q11.2.
Variant type: single nucleotide variant.
Coding change: c.5322G>T on transcript NM_001042492.3 (MANE Select); coding-DNA position 5322, G replaced by T.
Protein change: p.Gly1774=; no amino-acid change (glycine 1774 retained).
Molecular consequence: synonymous variant.
Genome position (GRCh38, 1-based): chr17:31,327,552, G>T. VCF-style: chr17-31327552-G-T. GRCh37 (hg19) VCF-style: chr17-29654570-G-T.
Other names: c.5259G>T, p.Gly1753= (NM_000267.4).
Identifiers: ClinVar variation 233397 (VCV000233397.9), dbSNP rs201584313, ClinGen allele CA10580346.

ClinVar aggregate classification (germline): Benign/Likely benign. Review status: criteria provided, multiple submitters, no conflicts (2 of 4 stars). 3 submissions from 3 submitters: Benign (1); Likely benign (2). Last evaluated 2026-09-23.

Conditions:
Hereditary cancer-predisposing syndrome. Also called: Hereditary Cancer Syndrome; Tumor predisposition; Hereditary neoplastic syndrome; Neoplastic Syndromes, Hereditary. Identifiers: Orphanet 140162, MedGen C0027672, MeSH D009386, MONDO:0015356.
Neurofibromatosis, type 1 (NF1). Also called: Peripheral type neurofibromatosis; Neurofibromatosis, type I; VON RECKLINGHAUSEN DISEASE; NEUROFIBROMATOSIS, TYPE I, SOMATIC. Identifiers: Orphanet 636, MedGen C0027831, MONDO:0018975, OMIM 162200. Disease mechanism: loss of function.

Submissions (3):

Myriad Genetics, Inc.
Classification: Benign for Neurofibromatosis, type 1. Last evaluated: 2026-09-23. Review status: criteria provided, single submitter. Criteria: Myriad Autosomal Dominant, Autosomal Recessive and X-Linked Classification Criteria (2023). Collection method: clinical testing. Allele origin: unknown.
Comment: This variant is considered benign. This variant is a silent/synonymous amino acid change and it is not expected to impact splicing.

Labcorp Genetics (formerly Invitae), Labcorp
Classification: Likely benign for Neurofibromatosis, type 1. Last evaluated: 2025-03-26. Review status: criteria provided, single submitter. Criteria: Invitae Variant Classification Sherloc (09022015). Collection method: clinical testing. Allele origin: germline.

Ambry Genetics
Classification: Likely benign for Hereditary cancer-predisposing syndrome. Last evaluated: 2015-08-12. Review status: criteria provided, single submitter. Criteria: Ambry Autosomal Dominant and X-Linked criteria (10/2015). Collection method: clinical testing. Allele origin: germline. Observed: 1 variant allele.
Comment: In silico models in agreement (benign);Synonymous alterations with insufficient evidence to classify as benign